The following is an entry in ClinVar:

ClinVar aggregate classification (germline): Uncertain significance (1 of 4 stars; one submission).

Conditions:
Inborn genetic diseases. Identifiers: MedGen C0950123, MeSH D030342.

gnomAD v4.1: 1 of 1,613,820 alleles (0.000062%); highest among the groups gnomAD compares: Admixed American, 0.0017%; no homozygotes.

Submission:

Ambry Genetics
Classification: Uncertain significance for Inborn genetic diseases. Last evaluated: 2026-06-04. Review status: criteria provided, single submitter. Criteria: Ambry Variant Classification Scheme 2023. Collection method: clinical testing. Allele origin: germline.
Comment: The c.6968G>A (p.G2323D) alteration is located in exon 48 (coding exon 46) of the MACF1 gene. This alteration results from a G to A substitution at nucleotide position 6968, causing the glycine (G) at amino acid position 2323 to be replaced by an aspartic acid (D). Based on data from gnomAD, the A allele has an overall frequency of <0.001% (1/251394) total alleles studied. The highest observed frequency was 0.003% (1/34588) of Latino alleles. Based on insufficient or conflicting evidence, the clinical significance of this alteration remains unclear.

NM_001394062.1(MACF1):c.13154G>A (p.Gly4385Asp)

Gene: MACF1 (microtubule actin crosslinking factor 1; plus strand). Cytogenetic location: 1p34.3.
Variant type: single nucleotide variant.
Coding change: c.13154G>A on transcript NM_001394062.1 (MANE Select); coding-DNA position 13154, G replaced by A.
Protein change: p.Gly4385Asp; replaces glycine 4385 with aspartic acid.
Molecular consequence: missense variant.
Genome position (GRCh38, 1-based): chr1:39,372,537, G>A. VCF-style: chr1-39372537-G-A. GRCh37 (hg19) VCF-style: chr1-39838209-G-A.
Other names: c.6968G>A, p.Gly2323Asp (NM_012090.5); short protein forms G2323D, G4385D.
Identifiers: ClinVar variation 4859448 (VCV004859448.1).
Genomic context (GRCh38, chr1:39,372,537, plus strand): 5'-AGAGTCTACTAGATGACTGGGCAAGTAAGGGAACTCTGGTGGAAGAAATCAATTGCAAAG[G>A]TACTTCTTTAGAAAATCTCATCATGGAAATCACAGCACCTGATTCCCAAGGCAAGACAGG-3'
Protein context (NP_001380991.1, residues 4375-4395): GTLVEEINCK[Gly4385Asp]TSLENLIMEI